The following is an entry in ClinVar:

ClinVar aggregate classification (germline): Uncertain significance (0 of 4 stars; one submission).

Conditions:
ARID1A-related disorder. Also called: ARID1A-related condition.

Allele frequency attached by ClinVar (database versions not stated): gnomAD exomes below 0.00001; TOPMed below 0.00001; ExAC 0.00001; gnomAD 0.00001.
gnomAD v4.1: 2 of 1,612,730 alleles (0.00012%); highest among the groups gnomAD compares: Non-Finnish European, 0.00017%; no homozygotes.

Submission:

PreventionGenetics, part of Exact Sciences
Classification: Uncertain significance for ARID1A-related condition. Last evaluated: 2023-10-20. Review status: no assertion criteria provided. Collection method: clinical testing. Allele origin: germline.
Comment: The ARID1A c.3769G>A variant is predicted to result in the amino acid substitution p.Gly1257Ser. To our knowledge, this variant has not been reported in the literature. This variant is reported in 0.00089% of alleles in individuals of European (Non-Finnish) descent in gnomAD. At this time, the clinical significance of this variant is uncertain due to the absence of conclusive functional and genetic evidence.

NM_006015.6(ARID1A):c.3769G>A (p.Gly1257Ser)

Gene: ARID1A (AT-rich interaction domain 1A; plus strand). Cytogenetic location: 1p36.11.
Variant type: single nucleotide variant.
Coding change: c.3769G>A on transcript NM_006015.6 (MANE Select); coding-DNA position 3769, G replaced by A.
Protein change: p.Gly1257Ser; replaces glycine 1257 with serine.
Molecular consequence: missense variant.
Genome position (GRCh38, 1-based): chr1:26,773,399, G>A. VCF-style: chr1-26773399-G-A. GRCh37 (hg19) VCF-style: chr1-27099890-G-A.
Other names: c.3769G>A, p.Gly1257Ser (NM_139135.4); short protein forms G1257S.
Identifiers: ClinVar variation 3058243 (VCV003058243.2), dbSNP rs778547789, ClinGen allele CA707304.